The following is an entry in ClinVar:

ClinVar aggregate classification (germline): Uncertain significance. Review status: criteria provided, multiple submitters, no conflicts (2 of 4 stars). 3 submissions from 3 submitters: Uncertain significance (2). 1 of the submissions does not count toward it. Last evaluated 2025-03-17.

Conditions:
Retinal dystrophy. Also called: Inherited retinal dystrophy. Identifiers: Orphanet 71862, MedGen C0854723, MeSH D058499, MONDO:0019118, HP:0000556.

Allele frequency attached by ClinVar (database versions not stated): TOPMed 0.00007; gnomAD 0.00009; ExAC 0.00010; gnomAD exomes 0.00012 and 0.00013.
gnomAD v4.1: 195 of 1,613,798 alleles (0.012%); highest among the groups gnomAD compares: Non-Finnish European, 0.014%; no homozygotes.

Submissions (3):

Labcorp Genetics (formerly Invitae), Labcorp
Classification: Uncertain significance. Last evaluated: 2025-03-17. Review status: criteria provided, single submitter. Criteria: Invitae Variant Classification Sherloc (09022015). Collection method: clinical testing. Allele origin: germline.
Comment: This sequence change replaces lysine, which is basic and polar, with asparagine, which is neutral and polar, at codon 666 of the MERTK protein (p.Lys666Asn). This variant is present in population databases (rs757089087, gnomAD 0.03%). This variant has not been reported in the literature in individuals affected with MERTK-related conditions. ClinVar contains an entry for this variant (Variation ID: 950190). Invitae Evidence Modeling of protein sequence and biophysical properties (such as structural, functional, and spatial information, amino acid conservation, physicochemical variation, residue mobility, and thermodynamic stability) indicates that this missense variant is not expected to disrupt MERTK protein function with a negative predictive value of 80%. In summary, the available evidence is currently insufficient to determine the role of this variant in disease. Therefore, it has been classified as a Variant of Uncertain Significance.

Blueprint Genetics
Classification: Uncertain significance. Last evaluated: 2024-09-02. Review status: criteria provided, single submitter. Criteria: ACMG Guidelines, 2015. Collection method: clinical testing. Allele origin: germline.

Institute of Human Genetics, Univ. Regensburg, Univ. Regensburg
Classification: Uncertain significance for Retinal dystrophy. Last evaluated: 2022-01-01. Review status: no assertion criteria provided. Criteria: ACMG Guidelines, 2015. Collection method: clinical testing. Allele origin: germline. Affected: yes. Not counted in ClinVar's aggregate classification.

NM_006343.3(MERTK):c.1998G>T (p.Lys666Asn)

Gene: MERTK (MER proto-oncogene, tyrosine kinase; plus strand). Cytogenetic location: 2q13.
Variant type: single nucleotide variant.
Coding change: c.1998G>T on transcript NM_006343.3 (MANE Select); coding-DNA position 1998, G replaced by T.
Protein change: p.Lys666Asn; replaces lysine 666 with asparagine.
Molecular consequence: missense variant.
Genome position (GRCh38, 1-based): chr2:112,009,985, G>T. VCF-style: chr2-112009985-G-T. GRCh37 (hg19) VCF-style: chr2-112767562-G-T.
Other names: short protein forms K666N.
Identifiers: ClinVar variation 950190 (VCV000950190.9), dbSNP rs757089087, ClinGen allele CA1831642.
Genomic context (GRCh38, chr2:112,009,985, plus strand): 5'-TGATGCTGTGTTTGTAATTTCAGGTGTGTGTATAGAAATGAGCTCTCAAGGCATCCCAAA[G>T]CCCATGGTAATTTTACCCTTCATGAAATACGGGGACCTGCATACTTACTTACTTTATTCC-3'
Protein context (NP_006334.2, residues 656-676): CIEMSSQGIP[Lys666Asn]PMVILPFMKY